The following is an entry in ClinVar:

NM_033026.6(PCLO):c.5621C>T (p.Pro1874Leu)

Gene: PCLO (piccolo presynaptic cytomatrix protein; minus strand). Cytogenetic location: 7q21.11.
Variant type: single nucleotide variant.
Coding change: c.5621C>T on transcript NM_033026.6 (MANE Select); coding-DNA position 5621, C replaced by T.
Protein change: p.Pro1874Leu; replaces proline 1874 with leucine.
Molecular consequence: missense variant.
Genome position (GRCh38, 1-based): chr7:82,955,332, G>A on the plus strand (C>T on the coding strand, the complement: PCLO is on the minus strand). VCF-style: chr7-82955332-G-A. GRCh37 (hg19) VCF-style: chr7-82584648-G-A.
Other names: c.5621C>T, p.Pro1874Leu (NM_014510.3); short protein forms P1874L.
Identifiers: ClinVar variation 1934695 (VCV001934695.3), dbSNP rs371631647, ClinGen allele CA4320614.

ClinVar aggregate classification (germline): Uncertain significance. Review status: criteria provided, multiple submitters, no conflicts (2 of 4 stars). 2 submissions from 2 submitters: Uncertain significance (2). Last evaluated 2024-02-12.

Conditions:
Inborn genetic diseases. Identifiers: MedGen C0950123, MeSH D030342.

Allele frequency attached by ClinVar (database versions not stated): gnomAD 0.00003; gnomAD exomes 0.00003; ExAC 0.00005; ESP Exome Variant Server 0.00009.
gnomAD v4.1: 51 of 1,613,090 alleles (0.0032%); highest among the groups gnomAD compares: Non-Finnish European, 0.0034%; no homozygotes.

Submissions (2):

Ambry Genetics
Classification: Uncertain significance for Inborn genetic diseases. Last evaluated: 2024-02-12. Review status: criteria provided, single submitter. Criteria: Ambry Variant Classification Scheme 2023. Collection method: clinical testing. Allele origin: germline.

Labcorp Genetics (formerly Invitae), Labcorp
Classification: Uncertain significance. Last evaluated: 2022-07-06. Review status: criteria provided, single submitter. Criteria: Invitae Variant Classification Sherloc (09022015). Collection method: clinical testing. Allele origin: germline.
Comment: This sequence change replaces proline, which is neutral and non-polar, with leucine, which is neutral and non-polar, at codon 1874 of the PCLO protein (p.Pro1874Leu). This variant is present in population databases (rs371631647, gnomAD 0.009%). This variant has not been reported in the literature in individuals affected with PCLO-related conditions. Algorithms developed to predict the effect of missense changes on protein structure and function are either unavailable or do not agree on the potential impact of this missense change (SIFT: "Deleterious"; PolyPhen-2: "Not Available"; Align-GVGD: "Class C0"). In summary, the available evidence is currently insufficient to determine the role of this variant in disease. Therefore, it has been classified as a Variant of Uncertain Significance.